The following is an entry in ClinVar:

ClinVar aggregate classification (germline): Pathogenic. Review status: criteria provided, single submitter (1 of 4 stars). 3 submissions from 2 submitters: Pathogenic (1). 2 of the submissions do not count toward it. Last evaluated 2025-08-25.

Conditions:
Tuberous sclerosis syndrome (TSC). Also called: Tuberous Sclerosis Complex; Tuberous sclerosis. Identifiers: Orphanet 805, MedGen C0041341, MONDO:0001734.
Tuberous sclerosis 1 (TSC1). Identifiers: Orphanet 805, MedGen C1854465, MONDO:0008612, OMIM 191100.

Submissions (3):

Labcorp Genetics (formerly Invitae), Labcorp
Classification: Pathogenic for Tuberous sclerosis 1. Last evaluated: 2025-08-25. Review status: criteria provided, single submitter. Criteria: Invitae Variant Classification Sherloc (09022015). Collection method: clinical testing. Allele origin: germline.
Comment: This sequence change creates a premature translational stop signal (p.His712Profs*20) in the TSC1 gene. It is expected to result in an absent or disrupted protein product. Loss-of-function variants in TSC1 are known to be pathogenic (PMID: 10227394, 17304050). This variant is not present in population databases (gnomAD no frequency). This premature translational stop signal has been observed in individual(s) with tuberous sclerosis complex (PMID: 11112665). ClinVar contains an entry for this variant (Variation ID: 48909). For these reasons, this variant has been classified as Pathogenic.

Tuberous sclerosis database (TSC1)
No classification provided. Condition: TSC. Review status: no classification provided. Criteria: Tuberous Sclerosis Database Assertion Criteria 2015. Collection method: curation. Allele origin: germline. Affected: yes. Not counted in ClinVar's aggregate classification.

Tuberous sclerosis database (TSC1)
No classification provided. Condition: TSC. Review status: flagged submission. Criteria: Tuberous Sclerosis Database Assertion Criteria 2015. Collection method: curation. Allele origin: germline. Affected: yes. Not counted in ClinVar's aggregate classification.
ClinVar note: Reason: This record appears to be redundant with a more recent record from the same submitter.
ClinVar note: Notes: SCV000065944 appears to be redundant with SCV000065945.

Literature cited by the submitters: PubMed 10227394 (cited by Labcorp Genetics (formerly Invitae), Labcorp); PubMed 17304050 (cited by Labcorp Genetics (formerly Invitae), Labcorp); PubMed 11112665 (cited by Labcorp Genetics (formerly Invitae), Labcorp).

NM_000368.5(TSC1):c.2135_2139del (p.His712fs)

Gene: TSC1 (TSC complex subunit 1; minus strand). Cytogenetic location: 9q34.13.
Variant type: Deletion.
Coding change: c.2135_2139del on transcript NM_000368.5 (MANE Select); coding-DNA positions 2135 to 2139, 5 bases deleted (ATGCC; older notation c.2135_2139delATGCC).
Protein change: p.His712fs; shifts the reading frame from histidine 712.
Molecular consequence: frameshift variant.
Genome position (GRCh38, 1-based): chr9:132,903,720-132,903,724, GGCAT deleted on the plus strand (ATGCC on the coding strand, the reverse complement: TSC1 is on the minus strand); deleting any 5 consecutive bases within chr9:132,903,720-132,903,725 gives the same sequence; the c. name uses the placement nearest the transcript's 3' end. VCF-style (leftmost placement, unchanged base first): chr9-132903719-GGGCAT-G. GRCh37 (hg19) VCF-style: chr9-135779106-GGGCAT-G.
Other names: c.2132_2136del, p.His711fs (NM_001162426.2); c.1982_1986del, p.His661fs (NM_001162427.2); c.1772_1776del, p.His591fs (NM_001362177.2); short protein forms H711fs, H591fs, H661fs, H712fs.
Identifiers: ClinVar variation 48909 (VCV000048909.3), dbSNP rs118203648, ClinGen allele CA006066.
Genomic context (GRCh38, chr9:132,903,719, plus strand): 5'-CATTATGTTCCTCCAGAGCTGCTGCTTTGATCACCTTGCGGAGGAGCCGCCTGTTCCGGA[GGGCAT>G]GCTGCTGCCTCTTAAAACGCTCATAGAGTAACTGGTTGTGCAGTAAAAGCAACTGGTCTC-3'